The following is an entry in ClinVar:

NM_004656.4(BAP1):c.2190A>G (p.Ter730Trp)

Gene: BAP1 (BRCA1 associated deubiquitinase 1; minus strand). Cytogenetic location: 3p21.1.
Variant type: single nucleotide variant.
Coding change: c.2190A>G on transcript NM_004656.4 (MANE Select); coding-DNA position 2190, A replaced by G.
Protein change: p.Ter730Trp.
Molecular consequence: stop lost.
Genome position (GRCh38, 1-based): chr3:52,402,288, T>C on the plus strand (A>G on the coding strand, the complement: BAP1 is on the minus strand). VCF-style: chr3-52402288-T-C. GRCh37 (hg19) VCF-style: chr3-52436304-T-C.
Other names: c.2136A>G, p.Ter712Trp (NM_001410772.1).
Identifiers: ClinVar variation 4713435 (VCV004713435.1).
Genomic context (GRCh38, chr3:52,402,288, plus strand): 5'-GAAGGACCCTGGTGAGGGCCACACGGCAAGAGTGGGCTGCAGAGTCAGGGCCAGCAGTCC[T>C]CACTGGCGCTTGGCCTTGTAGGGGCGAGAGCGTTTCCGCCGGTCAGGCTTCCGCTGCTTG-3'

ClinVar aggregate classification (germline): Uncertain significance (1 of 4 stars; one submission).

Conditions:
BAP1-related tumor predisposition syndrome (TPDS1). Also called: COMMON Syndrome; TUMOR PREDISPOSITION SYNDROME 1; Tumor susceptibility linked to germline BAP1 mutations; BAP1 tumor predisposition syndrome. Identifiers: Orphanet 289539, MedGen C3280492, MONDO:0013692, OMIM 614327.

Submission:

Labcorp Genetics (formerly Invitae), Labcorp
Classification: Uncertain significance for BAP1-related tumor predisposition syndrome. Last evaluated: 2025-02-19. Review status: criteria provided, single submitter. Criteria: Invitae Variant Classification Sherloc (09022015). Collection method: clinical testing. Allele origin: germline.
Comment: This sequence change disrupts the translational stop signal of the BAP1 mRNA. It is expected to extend the length of the BAP1 protein by 205 additional amino acid residues. This variant is not present in population databases (gnomAD no frequency). This variant has not been reported in the literature in individuals affected with BAP1-related conditions. Experimental studies and prediction algorithms are not available or were not evaluated, and the functional significance of this variant is currently unknown. In summary, the available evidence is currently insufficient to determine the role of this variant in disease. Therefore, it has been classified as a Variant of Uncertain Significance.